The following is an entry in ClinVar:

ClinVar aggregate classification (germline): Likely benign. Review status: criteria provided, multiple submitters, no conflicts (2 of 4 stars). 4 submissions from 4 submitters: Likely benign (4). Last evaluated 2023-06-09.

Conditions:
Cardiomyopathy (CMYO). Also called: Cardiomyopathies. Identifiers: Orphanet 167848, MedGen C0878544, MONDO:0004994, HP:0001638. Inheritance: Various modes of inheritance.
Hypertrophic cardiomyopathy. Also called: HYPERTROPHIC MYOCARDIOPATHY. Identifiers: Orphanet 217569, MedGen C0007194, MeSH D002312, MONDO:0005045, HP:0001639.

Submissions (4):

CHEO Genetics Diagnostic Laboratory, Children's Hospital of Eastern Ontario
Classification: Likely benign for Cardiomyopathy. Last evaluated: 2023-06-09. Review status: criteria provided, single submitter. Criteria: ACMG Guidelines, 2015. Collection method: clinical testing. Allele origin: germline. Study: Canadian Open Genetics Repository.

All of Us Research Program, National Institutes of Health
Classification: Likely benign for Hypertrophic cardiomyopathy. Last evaluated: 2023-04-03. Review status: criteria provided, single submitter. Criteria: ACMG Guidelines, 2015. Collection method: clinical testing. Allele origin: germline. Inheritance: Autosomal dominant inheritance. Observed: 1 variant allele, 1 heterozygote.
Comment: This study involves interpretation of variants in research participants for the purpose of population health screening. Participant phenotype was not available at the time of variant classification. Additional details can be found in publication PMID: 35346344, PMCID: PMC8962531

Labcorp Genetics (formerly Invitae), Labcorp
Classification: Likely benign for Hypertrophic cardiomyopathy. Last evaluated: 2023-01-21. Review status: criteria provided, single submitter. Criteria: Invitae Variant Classification Sherloc (09022015). Collection method: clinical testing. Allele origin: germline.

Color Diagnostics, LLC DBA Color Health
Classification: Likely benign for Cardiomyopathy. Last evaluated: 2020-01-23. Review status: criteria provided, single submitter. Criteria: ACMG Guidelines, 2015. Collection method: clinical testing. Allele origin: germline.

NM_000256.3(MYBPC3):c.1104G>A (p.Lys368=)

Gene: MYBPC3 (myosin binding protein C3; minus strand). Cytogenetic location: 11p11.2.
Variant type: single nucleotide variant.
Coding change: c.1104G>A on transcript NM_000256.3 (MANE Select); coding-DNA position 1104, G replaced by A.
Protein change: p.Lys368=; no amino-acid change (lysine 368 retained).
Molecular consequence: synonymous variant.
Genome position (GRCh38, 1-based): chr11:47,343,611, C>T on the plus strand (G>A on the coding strand, the complement: MYBPC3 is on the minus strand). VCF-style: chr11-47343611-C-T. GRCh37 (hg19) VCF-style: chr11-47365162-C-T.
Other names: c.1104G>A, p.Lys368= (LRG_386t1).
Identifiers: ClinVar variation 626519 (VCV000626519.10), dbSNP rs1565628536, ClinGen allele CA474220600.